The following is an entry in ClinVar:

NM_018192.4(P3H2):c.880C>T (p.Arg294Cys)

Gene: P3H2 (prolyl 3-hydroxylase 2; minus strand). Cytogenetic location: 3q28.
Variant type: single nucleotide variant.
Coding change: c.880C>T on transcript NM_018192.4 (MANE Select); coding-DNA position 880, C replaced by T.
Protein change: p.Arg294Cys; replaces arginine 294 with cysteine.
Molecular consequence: missense variant.
Genome position (GRCh38, 1-based): chr3:189,988,982, G>A on the plus strand (C>T on the coding strand, the complement: P3H2 is on the minus strand). VCF-style: chr3-189988982-G-A. GRCh37 (hg19) VCF-style: chr3-189706771-G-A.
Other names: c.337C>T, p.Arg113Cys (NM_001134418.2); short protein forms R113C, R294C.
Identifiers: ClinVar variation 1919699 (VCV001919699.4), dbSNP rs752518027, ClinGen allele CA2753190.

ClinVar aggregate classification (germline): Uncertain significance (1 of 4 stars; one submission).

Allele frequency attached by ClinVar (database versions not stated): TOPMed below 0.00001.
gnomAD v4.1: 16 of 1,613,902 alleles (0.00099%); highest among the groups gnomAD compares: Admixed American, 0.0083%; no homozygotes.

Submission:

Labcorp Genetics (formerly Invitae), Labcorp
Classification: Uncertain significance. Last evaluated: 2024-11-05. Review status: criteria provided, single submitter. Criteria: Invitae Variant Classification Sherloc (09022015). Collection method: clinical testing. Allele origin: germline.
Comment: This sequence change replaces arginine, which is basic and polar, with cysteine, which is neutral and slightly polar, at codon 294 of the P3H2 protein (p.Arg294Cys). This variant is present in population databases (rs752518027, gnomAD 0.006%). This variant has not been reported in the literature in individuals affected with P3H2-related conditions. ClinVar contains an entry for this variant (Variation ID: 1919699). Invitae Evidence Modeling of protein sequence and biophysical properties (such as structural, functional, and spatial information, amino acid conservation, physicochemical variation, residue mobility, and thermodynamic stability) indicates that this missense variant is not expected to disrupt P3H2 protein function with a negative predictive value of 80%. In summary, the available evidence is currently insufficient to determine the role of this variant in disease. Therefore, it has been classified as a Variant of Uncertain Significance.